The following is an entry in ClinVar:

NM_006343.3(MERTK):c.814G>A (p.Val272Met)

Gene: MERTK (MER proto-oncogene, tyrosine kinase; plus strand). Cytogenetic location: 2q13.
Variant type: single nucleotide variant.
Coding change: c.814G>A on transcript NM_006343.3 (MANE Select); coding-DNA position 814, G replaced by A.
Protein change: p.Val272Met; replaces valine 272 with methionine.
Molecular consequence: missense variant.
Genome position (GRCh38, 1-based): chr2:111,965,247, G>A. VCF-style: chr2-111965247-G-A. GRCh37 (hg19) VCF-style: chr2-112722824-G-A.
Other names: c.814G>A (NM_006343.2); short protein forms V272M.
Identifiers: ClinVar variation 596488 (VCV000596488.11), dbSNP rs140065278, ClinGen allele CA1831176.

ClinVar aggregate classification (germline): Conflicting classifications of pathogenicity. Review status: criteria provided, conflicting classifications (1 of 4 stars). 4 submissions from 4 submitters: Uncertain significance (3); Likely benign (1). Last evaluated 2026-01-26.

Conditions:
MERTK-related disorder. Also called: MERTK-related condition.

Allele frequency attached by ClinVar (database versions not stated): gnomAD 0.00015 and 0.00016; TOPMed 0.00016; ESP Exome Variant Server 0.00038.
gnomAD v4.1: 71 of 1,614,066 alleles (0.0044%); highest among the groups gnomAD compares: African/African-American, 0.037%; 1 homozygote.

Submissions (4):

PreventionGenetics, part of Exact Sciences
Classification: Uncertain significance for MERTK-related condition. Last evaluated: 2026-01-26. Review status: criteria provided, single submitter. Criteria: ACMG Guidelines, 2015. Collection method: clinical testing. Allele origin: germline.
Comment: The MERTK c.814G>A variant is predicted to result in the amino acid substitution p.Val272Met. This variant was reported in an individual with retinitis pigmentosa; however, this individual carried a splice site variant and a protein-truncating variant in the same gene (supplementary data, Xu et al. 2014. PubMed ID: 24938718). Additionally, this variant is reported in 0.052% of alleles in individuals of African descent in gnomAD, which may be too frequent to be a primary cause of disease. Although we suspect that this variant may be benign, at this time, the clinical significance of this variant is uncertain due to the absence of conclusive functional and genetic evidence.

Blueprint Genetics
Classification: Likely benign. Last evaluated: 2024-07-16. Review status: criteria provided, single submitter. Criteria: ACMG Guidelines, 2015. Collection method: clinical testing. Allele origin: germline.

Labcorp Genetics (formerly Invitae), Labcorp
Classification: Uncertain significance. Last evaluated: 2024-01-08. Review status: criteria provided, single submitter. Criteria: Invitae Variant Classification Sherloc (09022015). Collection method: clinical testing. Allele origin: germline.
Comment: This sequence change replaces valine, which is neutral and non-polar, with methionine, which is neutral and non-polar, at codon 272 of the MERTK protein (p.Val272Met). This variant is present in population databases (rs140065278, gnomAD 0.05%). This missense change has been observed in individual(s) with retinitis pigmentosa (PMID: 24938718). ClinVar contains an entry for this variant (Variation ID: 596488). Advanced modeling of protein sequence and biophysical properties (such as structural, functional, and spatial information, amino acid conservation, physicochemical variation, residue mobility, and thermodynamic stability) performed at Invitae indicates that this missense variant is not expected to disrupt MERTK protein function with a negative predictive value of 80%. In summary, the available evidence is currently insufficient to determine the role of this variant in disease. Therefore, it has been classified as a Variant of Uncertain Significance.

Eurofins Ntd Llc (ga)
Classification: Uncertain significance. Last evaluated: 2018-03-29. Review status: criteria provided, single submitter. Criteria: EGL ClinVar v180209 classification definitions. Collection method: clinical testing. Allele origin: germline. Observed: 1 variant allele, 1 heterozygote.

Literature cited by the submitters: PubMed 24938718 (cited by Labcorp Genetics (formerly Invitae), Labcorp).